The following is an entry in ClinVar:

NM_018192.4(P3H2):c.1835A>G (p.Asn612Ser)

Gene: P3H2 (prolyl 3-hydroxylase 2; minus strand). Cytogenetic location: 3q28.
Variant type: single nucleotide variant.
Coding change: c.1835A>G on transcript NM_018192.4 (MANE Select); coding-DNA position 1835, A replaced by G.
Protein change: p.Asn612Ser; replaces asparagine 612 with serine.
Molecular consequence: missense variant.
Genome position (GRCh38, 1-based): chr3:189,970,874, T>C on the plus strand (A>G on the coding strand, the complement: P3H2 is on the minus strand). VCF-style: chr3-189970874-T-C. GRCh37 (hg19) VCF-style: chr3-189688663-T-C.
Other names: c.1292A>G, p.Asn431Ser (NM_001134418.2); short protein forms N431S, N612S.
Identifiers: ClinVar variation 2120286 (VCV002120286.4), dbSNP rs1723157146, ClinGen allele CA355752671.
Genomic context (GRCh38, chr3:189,970,874, plus strand): 5'-ACAGTCACAGTCTTAGCATCCATCTCTGTGAATATGAATTCTCCTCCTTCAAAGTCATCA[T>C]TCATATATAGGAGAGCACTATAAGAATGAAGAGAAAACTATTTGTATTATTATATGCTTA-3'
Protein context (NP_060662.2, residues 602-622): FRDYSALLYM[Asn612Ser]DDFEGGEFIF

ClinVar aggregate classification (germline): Uncertain significance (1 of 4 stars; one submission).

Allele frequency attached by ClinVar (database versions not stated): gnomAD exomes below 0.00001.
gnomAD v4.1: 5 of 1,573,808 alleles (0.00032%); highest among the groups gnomAD compares: Non-Finnish European, 0.00044%; no homozygotes.

Submission:

Labcorp Genetics (formerly Invitae), Labcorp
Classification: Uncertain significance. Last evaluated: 2025-02-24. Review status: criteria provided, single submitter. Criteria: Invitae Variant Classification Sherloc (09022015). Collection method: clinical testing. Allele origin: germline.
Comment: This sequence change replaces asparagine, which is neutral and polar, with serine, which is neutral and polar, at codon 612 of the P3H2 protein (p.Asn612Ser). This variant is not present in population databases (gnomAD no frequency). This variant has not been reported in the literature in individuals affected with P3H2-related conditions. ClinVar contains an entry for this variant (Variation ID: 2120286). Invitae Evidence Modeling of protein sequence and biophysical properties (such as structural, functional, and spatial information, amino acid conservation, physicochemical variation, residue mobility, and thermodynamic stability) indicates that this missense variant is expected to disrupt P3H2 protein function with a positive predictive value of 80%. In summary, the available evidence is currently insufficient to determine the role of this variant in disease. Therefore, it has been classified as a Variant of Uncertain Significance.